The following is an entry in ClinVar:

NM_000548.5(TSC2):c.1578C>A (p.Ser526Arg)

Gene: TSC2 (TSC complex subunit 2; plus strand). Cytogenetic location: 16p13.3.
Variant type: single nucleotide variant.
Coding change: c.1578C>A on transcript NM_000548.5 (MANE Select); coding-DNA position 1578, C replaced by A.
Protein change: p.Ser526Arg; replaces serine 526 with arginine.
Molecular consequence: missense variant. On other transcripts: 5 prime UTR variant (1), non-coding transcript variant (5).
Genome position (GRCh38, 1-based): chr16:2,064,406, C>A. VCF-style: chr16-2064406-C-A. GRCh37 (hg19) VCF-style: chr16-2114407-C-A.
Other names: c.1578C>A, p.Ser526Arg (NM_001077183.3, NM_001114382.3, NM_001363528.2 and 6 more transcripts); c.1467C>A, p.Ser489Arg (NM_001318827.2, NM_001406670.1, NM_001406678.1); c.1431C>A, p.Ser477Arg (NM_001318829.2, NM_001406675.1, NM_001406676.1 and 1 more transcripts); c.978C>A, p.Ser326Arg (NM_001318831.2, NM_001406680.1, NM_001406682.1 and 6 more transcripts); c.1611C>A, p.Ser537Arg (NM_001318832.2); c.1668C>A, p.Ser556Arg (NM_001406667.1, NM_001406668.1); c.1566C>A, p.Ser522Arg (NM_001406671.1, NM_001406673.1); c.1521C>A, p.Ser507Arg (NM_001406677.1); and 3 more; short protein forms S326R, S372R, S477R, S489R, S507R, S522R, S526R, S537R.
Identifiers: ClinVar variation 3232082 (VCV003232082.1), dbSNP rs34012042, ClinGen allele CA394326680.

ClinVar aggregate classification (germline): Uncertain significance (1 of 4 stars; one submission).

Conditions:
Hereditary cancer-predisposing syndrome. Also called: Neoplastic Syndromes, Hereditary; Tumor predisposition; Hereditary neoplastic syndrome; Hereditary Cancer Syndrome. Identifiers: Orphanet 140162, MedGen C0027672, MeSH D009386, MONDO:0015356.

Submission:

Ambry Genetics
Classification: Uncertain significance for Hereditary cancer-predisposing syndrome. Last evaluated: 2024-03-02. Review status: criteria provided, single submitter. Criteria: Ambry Variant Classification Scheme 2023. Collection method: clinical testing. Allele origin: germline.
Comment: The p.S526R variant (also known as c.1578C>A), located in coding exon 14 of the TSC2 gene, results from a C to A substitution at nucleotide position 1578. The serine at codon 526 is replaced by arginine, an amino acid with dissimilar properties. This amino acid position is conserved. In addition, the in silico prediction for this alteration is inconclusive. Based on the available evidence, the clinical significance of this alteration remains unclear.